The following is an entry in ClinVar:

NM_001142800.2(EYS):c.7048T>C (p.Cys2350Arg)

Gene: EYS (EGF-like photoreceptor maintenance factor; minus strand). Cytogenetic location: 6q12.
Variant type: single nucleotide variant.
Coding change: c.7048T>C on transcript NM_001142800.2 (MANE Select); coding-DNA position 7048, T replaced by C.
Protein change: p.Cys2350Arg; replaces cysteine 2350 with arginine.
Molecular consequence: missense variant.
Genome position (GRCh38, 1-based): chr6:63,984,390, A>G on the plus strand (T>C on the coding strand, the complement: EYS is on the minus strand). VCF-style: chr6-63984390-A-G. GRCh37 (hg19) VCF-style: chr6-64694283-A-G.
Other names: c.7048T>C, p.Cys2350Arg (NM_001292009.2); short protein forms C2350R.
Identifiers: ClinVar variation 864244 (VCV000864244.9), dbSNP rs935531910, ClinGen allele CA364387325.

ClinVar aggregate classification (germline): Uncertain significance. Review status: criteria provided, multiple submitters, no conflicts (2 of 4 stars). 3 submissions from 3 submitters: Uncertain significance (2). 1 of the submissions does not count toward it. Last evaluated 2024-07-04.

Conditions:
Retinitis pigmentosa 25 (RP25). Identifiers: Orphanet 791, MedGen C1864446, MONDO:0011272, OMIM 602772.

Allele frequency attached by ClinVar (database versions not stated): gnomAD 0.00001.
gnomAD v4.1: 1 of 1,545,928 alleles (0.000065%); highest among the groups gnomAD compares: Admixed American, 0.002%; no homozygotes.

Submissions (3):

Blueprint Genetics
Classification: Uncertain significance. Last evaluated: 2024-07-04. Review status: criteria provided, single submitter. Criteria: ACMG Guidelines, 2015. Collection method: clinical testing. Allele origin: germline.

Labcorp Genetics (formerly Invitae), Labcorp
Classification: Uncertain significance. Last evaluated: 2021-09-01. Review status: criteria provided, single submitter. Criteria: Invitae Variant Classification Sherloc (09022015). Collection method: clinical testing. Allele origin: germline.
Comment: This sequence change replaces cysteine with arginine at codon 2350 of the EYS protein (p.Cys2350Arg). The cysteine residue is highly conserved and there is a large physicochemical difference between cysteine and arginine. This variant is not present in population databases (ExAC no frequency). This variant has not been reported in the literature in individuals affected with EYS-related conditions. Algorithms developed to predict the effect of missense changes on protein structure and function (SIFT, PolyPhen-2, Align-GVGD) all suggest that this variant is likely to be disruptive. In summary, the available evidence is currently insufficient to determine the role of this variant in disease. Therefore, it has been classified as a Variant of Uncertain Significance.

Natera, Inc.
Classification: Uncertain significance for Retinitis pigmentosa type 25. Last evaluated: 2020-11-23. Review status: no assertion criteria provided. Collection method: clinical testing. Allele origin: germline. Not counted in ClinVar's aggregate classification.